The following is an entry in ClinVar:

ClinVar aggregate classification (germline): Conflicting classifications of pathogenicity. Review status: criteria provided, conflicting classifications (1 of 4 stars). 5 submissions from 5 submitters: Pathogenic (3); Uncertain significance (1). 1 of the submissions does not count toward it. Last evaluated 2024-09-21.

Conditions:
Usmani-Riazuddin syndrome, autosomal dominant (USRISD). Identifiers: MedGen C5561952, MONDO:0859174, OMIM 619467.
Inborn genetic diseases. Identifiers: MedGen C0950123, MeSH D030342.

Submissions (5):

GeneDx
Classification: Pathogenic. Last evaluated: 2024-09-21. Review status: criteria provided, single submitter. Criteria: GeneDx Variant Classification Process June 2021. Collection method: clinical testing. Allele origin: germline. Affected: yes.
Comment: Published functional studies demonstrate decreased protein expression and abnormal colocalization and formation of aggregates, resulting in significantly impacted development in zebrafish (PMID: 34102099); In silico analysis supports that this missense variant has a deleterious effect on protein structure/function; Not observed at significant frequency in large population cohorts (gnomAD); This variant is associated with the following publications: (PMID: 33057194, 34102099, 35982159)

Ambry Genetics
Classification: Uncertain significance for Inborn genetic diseases. Last evaluated: 2021-07-12. Review status: criteria provided, single submitter. Criteria: Ambry Variant Classification Scheme 2023. Collection method: clinical testing. Allele origin: germline.
Comment: The c.44G>A (p.R15Q) alteration is located in exon 2 (coding exon 1) of the AP1G1 gene. This alteration results from a G to A substitution at nucleotide position 44, causing the arginine (R) at amino acid position 15 to be replaced by a glutamine (Q). Based on data from the Genome Aggregation Database (gnomAD), the AP1G1 c.44G>A alteration was not observed, with coverage at this position. This alteration has been observed to occur de novo in a patient presenting with developmental delay, intellectual disability, truncal hypotonia, lumbar hyperlordosis, behavioral issues, short fingers, and bilateral 2-3 toe syndactyly (Usmani, 2021). This amino acid position is highly conserved in available vertebrate species. The in silico prediction for the p.R15Q alteration is inconclusive. Based on insufficient or conflicting evidence, the clinical significance of this alteration remains unclear.

Institute of Human Genetics Munich, TUM University Hospital
Classification: Pathogenic for Usmani-Riazuddin syndrome, autosomal dominant. Last evaluated: 2020-09-22. Review status: criteria provided, single submitter. Criteria: Classification criteria August 2017. Collection method: clinical testing. Allele origin: de novo. Inheritance: Autosomal dominant inheritance. Affected: yes. Observed: 1 variant allele.

3billion
Classification: Pathogenic for Usmani-Riazuddin syndrome, autosomal dominant. Review status: criteria provided, single submitter. Criteria: ACMG Guidelines, 2015. Collection method: clinical testing. Allele origin: unknown. Affected: yes. Observed: 1 heterozygote.
Comment: The variant is not observed in the gnomAD v2.1.1 dataset. Missense changes are a common disease-causing mechanism. Functional studies provide moderate evidence of the variant having a damaging effect on the gene or gene product (PMID: 34102099). Same nucleotide change resulting in same amino acid change has been previously reported as pathogenic/likely pathogenic with strong evidence (ClinVar ID: VCV001299367 / PMID: 34102099). Therefore, this variant is classified as Pathogenic according to the recommendation of ACMG/AMP guideline.

OMIM
Classification: Pathogenic for USMANI-RIAZUDDIN SYNDROME, AUTOSOMAL DOMINANT. Last evaluated: 2021-10-04. Review status: no assertion criteria provided. Collection method: literature only. Allele origin: germline. Not counted in ClinVar's aggregate classification.

Literature cited by the submitters: PubMed 34102099 (cited by 3 submitters).

NM_001128.6(AP1G1):c.44G>A (p.Arg15Gln)

Gene: AP1G1 (adaptor related protein complex 1 subunit gamma 1; minus strand). Cytogenetic location: 16q22.2.
Variant type: single nucleotide variant.
Coding change: c.44G>A on transcript NM_001128.6 (MANE Select); coding-DNA position 44, G replaced by A.
Protein change: p.Arg15Gln; replaces arginine 15 with glutamine.
Molecular consequence: missense variant.
Genome position (GRCh38, 1-based): chr16:71,789,436, C>T on the plus strand (G>A on the coding strand, the complement: AP1G1 is on the minus strand). VCF-style: chr16-71789436-C-T. GRCh37 (hg19) VCF-style: chr16-71823339-C-T.
Other names: c.44G>A, p.Arg15Gln (NM_001030007.2); c.44G>A (NM_001030007.1); short protein forms R15Q.
Identifiers: ClinVar variation 1299367 (VCV001299367.7), dbSNP rs2145525235, ClinGen allele CA396673844.